The following is an entry in ClinVar:

NM_002506.3(NGF):c.163C>G (p.Pro55Ala)

Genes: NGF (nerve growth factor; minus strand), NGF-AS1 (NGF antisense RNA 1; plus strand). Cytogenetic location: 1p13.2.
Variant type: single nucleotide variant.
Coding change: c.163C>G on transcript NM_002506.3 (MANE Select); coding-DNA position 163, C replaced by G.
Protein change: p.Pro55Ala; replaces proline 55 with alanine.
Molecular consequence: missense variant.
Genome position (GRCh38, 1-based): chr1:115,286,633, G>C on the plus strand (C>G on the coding strand, the complement: NGF is on the minus strand). VCF-style: chr1-115286633-G-C. GRCh37 (hg19) VCF-style: chr1-115829254-G-C.
Other names: short protein forms P55A.
Identifiers: ClinVar variation 2507344 (VCV002507344.1), dbSNP rs2525331656, ClinGen allele CA341837109.

ClinVar aggregate classification (germline): Uncertain significance (1 of 4 stars; one submission).

Submission:

GeneDx
Classification: Uncertain significance. Last evaluated: 2022-12-30. Review status: criteria provided, single submitter. Criteria: GeneDx Variant Classification Process June 2021. Collection method: clinical testing. Allele origin: germline. Affected: yes.
Comment: Not observed at significant frequency in large population cohorts (gnomAD); In silico analysis supports that this missense variant does not alter protein structure/function; Has not been previously published as pathogenic or benign to our knowledge